The following is an entry in ClinVar:

ClinVar aggregate classification (germline): Uncertain significance (1 of 4 stars; one submission).

Conditions:
Familial adenomatous polyposis 1 (FAP1). Also called: FAMILIAL ADENOMATOUS POLYPOSIS 1, ATTENUATED; POLYPOSIS, ADENOMATOUS INTESTINAL. Identifiers: MedGen C2713442, MONDO:0021056, OMIM 175100. Disease mechanism: loss of function.

Submission:

Labcorp Genetics (formerly Invitae), Labcorp
Classification: Uncertain significance for Familial adenomatous polyposis 1. Last evaluated: 2025-02-02. Review status: criteria provided, single submitter. Criteria: Invitae Variant Classification Sherloc (09022015). Collection method: clinical testing. Allele origin: germline.
Comment: This variant occurs in a non-coding region of the APC gene. It does not change the encoded amino acid sequence of the APC protein. This variant is not present in population databases (gnomAD no frequency). This variant has not been reported in the literature in individuals affected with APC-related conditions. Experimental studies and prediction algorithms are not available or were not evaluated, and the functional significance of this variant is currently unknown. In summary, the available evidence is currently insufficient to determine the role of this variant in disease. Therefore, it has been classified as a Variant of Uncertain Significance.

NC_000005.10:g.112707406C>G

Gene: APC (APC regulator of Wnt signaling pathway; plus strand). Cytogenetic location: 5q22.2.
Variant type: single nucleotide variant.
Genome position: GRCh38 VCF-style: chr5-112707406-C-G. GRCh37 (hg19) VCF-style: chr5-112043103-C-G.
Identifiers: ClinVar variation 1057587 (VCV001057587.8), dbSNP rs1750556409, ClinGen allele CA2499217372.